The following is an entry in ClinVar:

NM_005002.5(NDUFA9):c.728T>C (p.Val243Ala)

Gene: NDUFA9 (NADH:ubiquinone oxidoreductase subunit A9; plus strand). Cytogenetic location: 12p13.32.
Variant type: single nucleotide variant.
Coding change: c.728T>C on transcript NM_005002.5 (MANE Select); coding-DNA position 728, T replaced by C.
Protein change: p.Val243Ala; replaces valine 243 with alanine.
Molecular consequence: missense variant.
Genome position (GRCh38, 1-based): chr12:4,669,745, T>C. VCF-style: chr12-4669745-T-C. GRCh37 (hg19) VCF-style: chr12-4778911-T-C.
Other names: short protein forms V243A.
Identifiers: ClinVar variation 214714 (VCV000214714.6), dbSNP rs202214518, ClinGen allele CA325306.

ClinVar aggregate classification (germline): Conflicting classifications of pathogenicity. Review status: criteria provided, conflicting classifications (1 of 4 stars). 4 submissions from 4 submitters: Uncertain significance (3); Likely benign (1). Last evaluated 2025-11-21.

Conditions:
Mitochondrial complex I deficiency, nuclear type 26. Also called: Mitochondrial complex 1 deficiency, nuclear type 26. Identifiers: MedGen C4748809, MONDO:0032630, OMIM 618247.
Inborn genetic diseases. Identifiers: MedGen C0950123, MeSH D030342.

Allele frequency attached by ClinVar (database versions not stated): gnomAD 0.00003 and 0.00002; ExAC 0.00006; 1000 Genomes Project 30x 0.00031; gnomAD exomes 0.00004 and 0.00010; 1000 Genomes Project 0.00020; TOPMed 0.00006.
gnomAD v4.1: 28 of 1,598,724 alleles (0.0018%); highest among the groups gnomAD compares: Admixed American, 0.04%; no homozygotes.

Submissions (4):

Ambry Genetics
Classification: Uncertain significance for Inborn genetic diseases. Last evaluated: 2025-11-21. Review status: criteria provided, single submitter. Criteria: Ambry Variant Classification Scheme 2023. Collection method: clinical testing. Allele origin: germline.

Labcorp Genetics (formerly Invitae), Labcorp
Classification: Uncertain significance. Last evaluated: 2022-10-27. Review status: criteria provided, single submitter. Criteria: Invitae Variant Classification Sherloc (09022015). Collection method: clinical testing. Allele origin: germline.
Comment: This sequence change replaces valine, which is neutral and non-polar, with alanine, which is neutral and non-polar, at codon 243 of the NDUFA9 protein (p.Val243Ala). This variant is present in population databases (rs202214518, gnomAD 0.06%), and has an allele count higher than expected for a pathogenic variant. This variant has not been reported in the literature in individuals affected with NDUFA9-related conditions. ClinVar contains an entry for this variant (Variation ID: 214714). Algorithms developed to predict the effect of missense changes on protein structure and function output the following: SIFT: "Tolerated"; PolyPhen-2: "Benign"; Align-GVGD: "Class C0". The alanine amino acid residue is found in multiple mammalian species, which suggests that this missense change does not adversely affect protein function. In summary, the available evidence is currently insufficient to determine the role of this variant in disease. Therefore, it has been classified as a Variant of Uncertain Significance.

Baylor Genetics
Classification: Uncertain significance for Mitochondrial complex I deficiency, nuclear type 26. Last evaluated: 2019-08-15. Review status: criteria provided, single submitter. Criteria: ACMG Guidelines, 2015. Collection method: clinical testing. Allele origin: unknown. Affected: yes.
Comment: This variant was determined to be of uncertain significance according to ACMG Guidelines, 2015 [PMID:25741868].

GeneDx
Classification: Likely benign. Last evaluated: 2014-07-08. Review status: criteria provided, single submitter. Criteria: GeneDx Variant Classification (06012015). Collection method: clinical testing. Allele origin: germline. Affected: yes.
Comment: This variant is considered likely benign or benign based on one or more of the following criteria: it is a conservative change, it occurs at a poorly conserved position in the protein, it is predicted to be benign by multiple in silico algorithms, and/or has population frequency not consistent with disease.